The following is an entry in ClinVar:

NM_001148.6(ANK2):c.10343G>A (p.Ser3448Asn)

Gene: ANK2 (ankyrin 2; plus strand). Cytogenetic location: 4q26.
Variant type: single nucleotide variant.
Coding change: c.10343G>A on transcript NM_001148.6 (MANE Select); coding-DNA position 10343, G replaced by A.
Protein change: p.Ser3448Asn; replaces serine 3448 with asparagine.
Molecular consequence: missense variant. On other transcripts: intron variant (68).
Genome position (GRCh38, 1-based): chr4:113,358,961, G>A. VCF-style: chr4-113358961-G-A. GRCh37 (hg19) VCF-style: chr4-114280117-G-A.
Other names: c.10109G>A, p.Ser3370Asn (NM_001386142.1); c.6743G>A, p.Ser2248Asn (NM_001386166.1); c.10484G>A, p.Ser3495Asn (NM_001386174.1); c.10460G>A, p.Ser3487Asn (NM_001386175.1); c.4412-1862G>A (NM_001386186.2, NM_001386148.2); c.4214-1862G>A (NM_001354269.3); c.4292-1862G>A (NM_001386187.2); c.4253-1862G>A (NM_001386147.1); and 35 more; short protein forms S2248N, S3370N, S3448N, S3495N, S3487N.
Identifiers: ClinVar variation 2399348 (VCV002399348.4), dbSNP rs2506039516, ClinGen allele CA357940206.
Genomic context (GRCh38, chr4:113,358,961, plus strand): 5'-CAGAAGAAGGGGCCACAAGACCAAAGATACTTACATCCCGATTGCCAGTTAAGAGCAGAA[G>A]CACTACATCTTCCTGCAGGGGGGGCACGAGCCCCACAAAAGAAAGTAAGGAGCATTTCTT-3'
Protein context (NP_001139.3, residues 3438-3458): LTSRLPVKSR[Ser3448Asn]TTSSCRGGTS

ClinVar aggregate classification (germline): Conflicting classifications of pathogenicity. Review status: criteria provided, conflicting classifications (1 of 4 stars). 2 submissions from 2 submitters: Uncertain significance (1); Likely benign (1). Last evaluated 2023-02-01.

Conditions:
Cardiovascular phenotype. Identifiers: MedGen CN230736.

Submissions (2):

Ambry Genetics
Classification: Uncertain significance for Cardiovascular phenotype. Last evaluated: 2023-02-01. Review status: criteria provided, single submitter. Criteria: Ambry Variant Classification Scheme 2023. Collection method: clinical testing. Allele origin: germline.
Comment: The c.10343G>A (p.S3448N) alteration is located in exon 38 (coding exon 38) of the ANK2 gene. This alteration results from a G to A substitution at nucleotide position 10343, causing the serine (S) at amino acid position 3448 to be replaced by an asparagine (N). This variant was not reported in population-based cohorts in the Genome Aggregation Database (gnomAD). This amino acid position is not well conserved in available vertebrate species. This alteration is predicted to be tolerated by in silico analysis. Based on insufficient or conflicting evidence, the clinical significance of this alteration remains unclear.

Blueprint Genetics
Classification: Likely benign. Last evaluated: 2022-07-15. Review status: criteria provided, single submitter. Criteria: ACMG Guidelines, 2015. Collection method: clinical testing. Allele origin: germline.